The following is an entry in ClinVar:

NM_003824.4(FADD):c.604G>A (p.Ala202Thr)

Gene: FADD (Fas associated via death domain; plus strand). Cytogenetic location: 11q13.3.
Variant type: single nucleotide variant.
Coding change: c.604G>A on transcript NM_003824.4 (MANE Select); coding-DNA position 604, G replaced by A.
Protein change: p.Ala202Thr; replaces alanine 202 with threonine.
Molecular consequence: missense variant.
Genome position (GRCh38, 1-based): chr11:70,206,450, G>A. VCF-style: chr11-70206450-G-A. GRCh37 (hg19) VCF-style: chr11-70052556-G-A.
Other names: short protein forms A202T.
Identifiers: ClinVar variation 1377943 (VCV001377943.6), dbSNP rs1313312609, ClinGen allele CA381666588.
Genomic context (GRCh38, chr11:70,206,450, plus strand): 5'-CAGGCCCGTGACCTCCAGAACAGGAGTGGGGCCATGTCCCCGATGTCATGGAACTCAGAC[G>A]CATCTACCTCCGAAGCGTCCTGATGGGCCGCTGCTTTGCGCTGGTGGACCACAGGCATCT-3'
Protein context (NP_003815.1, residues 192-208): AMSPMSWNSD[Ala202Thr]STSEAS

ClinVar aggregate classification (germline): Uncertain significance (1 of 4 stars; one submission).

Conditions:
FADD-related immunodeficiency. Also called: Infections, recurrent, with encephalopathy, hepatic dysfunction, and cardiovascular malformations; FADD DEFICIENCY. Identifiers: Orphanet 306550, MedGen C3151062, MONDO:0013408, OMIM 613759.

Allele frequency attached by ClinVar (database versions not stated): TOPMed below 0.00001.

Submission:

Labcorp Genetics (formerly Invitae), Labcorp
Classification: Uncertain significance for FADD-related immunodeficiency. Last evaluated: 2022-07-26. Review status: criteria provided, single submitter. Criteria: Invitae Variant Classification Sherloc (09022015). Collection method: clinical testing. Allele origin: germline.
Comment: In summary, the available evidence is currently insufficient to determine the role of this variant in disease. Therefore, it has been classified as a Variant of Uncertain Significance. Algorithms developed to predict the effect of missense changes on protein structure and function output the following: SIFT: "Tolerated"; PolyPhen-2: "Benign"; Align-GVGD: "Class C0". The threonine amino acid residue is found in multiple mammalian species, which suggests that this missense change does not adversely affect protein function. ClinVar contains an entry for this variant (Variation ID: 1377943). This variant has not been reported in the literature in individuals affected with FADD-related conditions. This variant is not present in population databases (gnomAD no frequency). This sequence change replaces alanine, which is neutral and non-polar, with threonine, which is neutral and polar, at codon 202 of the FADD protein (p.Ala202Thr).